The following is an entry in ClinVar:

ClinVar aggregate classification (germline): Uncertain significance (1 of 4 stars; one submission).

gnomAD v4.1: 8 of 1,499,770 alleles (0.00053%); highest among the groups gnomAD compares: East Asian, 0.0029%; no homozygotes.

Submission:

Labcorp Genetics (formerly Invitae), Labcorp
Classification: Uncertain significance. Last evaluated: 2023-04-25. Review status: criteria provided, single submitter. Criteria: Invitae Variant Classification Sherloc (09022015). Collection method: clinical testing. Allele origin: germline.
Comment: This variant has not been reported in the literature in individuals affected with FGF20-related conditions. This sequence change replaces glycine, which is neutral and non-polar, with arginine, which is basic and polar, at codon 62 of the FGF20 protein (p.Gly62Arg). The frequency data for this variant in the population databases is considered unreliable, as metrics indicate poor data quality at this position in the gnomAD database. An algorithm developed to predict the effect of missense changes on protein structure and function (PolyPhen-2) suggests that this variant is likely to be disruptive. In summary, the available evidence is currently insufficient to determine the role of this variant in disease. Therefore, it has been classified as a Variant of Uncertain Significance.

NM_019851.3(FGF20):c.184G>C (p.Gly62Arg)

Gene: FGF20 (fibroblast growth factor 20; minus strand). Cytogenetic location: 8p22.
Variant type: single nucleotide variant.
Coding change: c.184G>C on transcript NM_019851.3 (MANE Select); coding-DNA position 184, G replaced by C.
Protein change: p.Gly62Arg; replaces glycine 62 with arginine.
Molecular consequence: missense variant.
Genome position (GRCh38, 1-based): chr8:17,001,849, C>G on the plus strand (G>C on the coding strand, the complement: FGF20 is on the minus strand). VCF-style: chr8-17001849-C-G. GRCh37 (hg19) VCF-style: chr8-16859358-C-G.
Other names: short protein forms G62R.
Identifiers: ClinVar variation 3002434 (VCV003002434.3), dbSNP rs779946155, ClinGen allele CA370395408.